The following is an entry in ClinVar:

NM_052867.4(NALCN):c.68C>T (p.Ser23Phe)

Gene: NALCN (sodium leak channel, non-selective; minus strand). Cytogenetic location: 13q33.1.
Variant type: single nucleotide variant.
Coding change: c.68C>T on transcript NM_052867.4 (MANE Select); coding-DNA position 68, C replaced by T.
Protein change: p.Ser23Phe; replaces serine 23 with phenylalanine.
Molecular consequence: missense variant.
Genome position (GRCh38, 1-based): chr13:101,399,059, G>A on the plus strand (C>T on the coding strand, the complement: NALCN is on the minus strand). VCF-style: chr13-101399059-G-A. GRCh37 (hg19) VCF-style: chr13-102051410-G-A.
Other names: c.68C>T, p.Ser23Phe (NM_001350748.2, NM_001350749.2, NM_001350750.2 and 1 more transcripts); c.68C>T (NM_052867.2); short protein forms S23F.
Identifiers: ClinVar variation 2687889 (VCV002687889.2), dbSNP rs775542446, ClinGen allele CA7036568.

ClinVar aggregate classification (germline): Uncertain significance. Review status: criteria provided, multiple submitters, no conflicts (2 of 4 stars). 2 submissions from 2 submitters: Uncertain significance (2). Last evaluated 2024-01-19.

Conditions:
Hypotonia, infantile, with psychomotor retardation and characteristic facies 1 (INNFD). Identifiers: Orphanet 371364, Orphanet 700336, MedGen C3809454, MONDO:0024567, OMIM 615419.

Allele frequency attached by ClinVar (database versions not stated): ExAC 0.00001; gnomAD exomes below 0.00001.
gnomAD v4.1: 1 of 1,613,136 alleles (0.000062%); highest among the groups gnomAD compares: Non-Finnish European, 0.000085%; no homozygotes.

Submissions (2):

Institute of Immunology and Genetics Kaiserslautern
Classification: Uncertain significance for Hypotonia, infantile, with psychomotor retardation and characteristic facies 1. Last evaluated: 2024-01-19. Review status: criteria provided, single submitter. Criteria: ACMG Guidelines, 2015. Collection method: clinical testing. Allele origin: biparental. Affected: yes.
Comment: ACMG Criteria: PM2, PP3; Variant was found in a homozygous state

GeneDx
Classification: Uncertain significance. Last evaluated: 2023-11-30. Review status: criteria provided, single submitter. Criteria: GeneDx Variant Classification Process June 2021. Collection method: clinical testing. Allele origin: germline. Affected: yes.
Comment: In silico analysis supports that this missense variant has a deleterious effect on protein structure/function; Has not been previously published as pathogenic or benign to our knowledge